The following is an entry in ClinVar:

ClinVar aggregate classification (germline): Uncertain significance (1 of 4 stars; one submission).

Conditions:
Structural brain anomalies with impaired intellectual development and craniosynostosis. Identifiers: MedGen C5231485, MONDO:0032892, OMIM 618736.

Submission:

Dasa
Classification: Uncertain significance for Structural brain anomalies with impaired intellectual development and craniosynostosis. Last evaluated: 2025-09-18. Review status: criteria provided, single submitter. Criteria: DASA Assertion Criteria. Collection method: clinical testing. Allele origin: germline.
Comment: NM_003412.4(ZIC1):c.776A>G (p.Glu259Gly) is a missense variant that results in the substitution of glutamic acid with glycine. This variant is absent from population databases. Computational prediction algorithms are consistent with a deleterious effect. The currently available literature and clinical evidence are not sufficient to establish a definitive association between this variant and the reported condition. Therefore, this variant is classified as a variant of uncertain significance.

NM_003412.4(ZIC1):c.776A>G (p.Glu259Gly)

Gene: ZIC1 (Zic family zinc finger 1; plus strand). Cytogenetic location: 3q24.
Variant type: single nucleotide variant.
Coding change: c.776A>G on transcript NM_003412.4 (MANE Select); coding-DNA position 776, A replaced by G.
Protein change: p.Glu259Gly; replaces glutamic acid 259 with glycine.
Molecular consequence: missense variant.
Genome position (GRCh38, 1-based): chr3:147,410,888, A>G. VCF-style: chr3-147410888-A-G. GRCh37 (hg19) VCF-style: chr3-147128675-A-G.
Other names: short protein forms E259G.
Identifiers: ClinVar variation 4882154 (VCV004882154.2).
Genomic context (GRCh38, chr3:147,410,888, plus strand): 5'-AAAAGTCGTGCAACAAAACTTTCAGCACCATGCACGAGCTAGTTACGCACGTCACCGTGG[A>G]GCACGTAGGTGGCCCGGAGCAGAGTAATCACATCTGCTTCTGGGAGGAGTGTCCGCGCGA-3'
Protein context (NP_003403.2, residues 249-269): MHELVTHVTV[Glu259Gly]HVGGPEQSNH